The following is an entry in ClinVar:

ClinVar aggregate classification (germline): Uncertain significance. Review status: criteria provided, multiple submitters, no conflicts (2 of 4 stars). 3 submissions from 3 submitters: Uncertain significance (3). Last evaluated 2025-08-03.

Conditions:
Hereditary cancer-predisposing syndrome. Also called: Hereditary neoplastic syndrome; Hereditary Cancer Syndrome; Neoplastic Syndromes, Hereditary; Tumor predisposition. Identifiers: Orphanet 140162, MedGen C0027672, MeSH D009386, MONDO:0015356.
Hereditary breast ovarian cancer syndrome. Also called: BRCA1- and BRCA2-Associated Hereditary Breast and Ovarian Cancer; Hereditary breast and ovarian cancer syndrome; Hereditary breast and ovarian cancer; Hereditary breast and ovarian cancer syndrome (HBOC); Breast and ovarian cancer; Hereditary breast and/or ovarian cancer syndrome. Identifiers: Orphanet 145, MedGen C0677776, MeSH D061325, MONDO:0003582. Disease mechanism: loss of function.

Allele frequency attached by ClinVar (database versions not stated): gnomAD exomes below 0.00001.

Submissions (3):

Labcorp Genetics (formerly Invitae), Labcorp
Classification: Uncertain significance for Hereditary breast ovarian cancer syndrome. Last evaluated: 2025-08-03. Review status: criteria provided, single submitter. Criteria: Invitae Variant Classification Sherloc (09022015). Collection method: clinical testing. Allele origin: germline.
Comment: This sequence change replaces threonine, which is neutral and polar, with isoleucine, which is neutral and non-polar, at codon 2403 of the BRCA2 protein (p.Thr2403Ile). This variant is present in population databases (no rsID available, gnomAD 0.0009%). This variant has not been reported in the literature in individuals affected with BRCA2-related conditions. ClinVar contains an entry for this variant (Variation ID: 236898). Invitae Evidence Modeling of protein sequence and biophysical properties (such as structural, functional, and spatial information, amino acid conservation, physicochemical variation, residue mobility, and thermodynamic stability) indicates that this missense variant is not expected to disrupt BRCA2 protein function with a negative predictive value of 95%. In summary, the available evidence is currently insufficient to determine the role of this variant in disease. Therefore, it has been classified as a Variant of Uncertain Significance.

Ambry Genetics
Classification: Uncertain significance for Hereditary cancer-predisposing syndrome. Last evaluated: 2022-06-01. Review status: criteria provided, single submitter. Criteria: Ambry Variant Classification Scheme 2023. Collection method: clinical testing. Allele origin: germline.
Comment: The p.T2403I variant (also known as c.7208C>T), located in coding exon 13 of the BRCA2 gene, results from a C to T substitution at nucleotide position 7208. The threonine at codon 2403 is replaced by isoleucine, an amino acid with similar properties. This amino acid position is not well conserved in available vertebrate species. In addition, this alteration is predicted to be tolerated by in silico analysis. Since supporting evidence is limited at this time, the clinical significance of this alteration remains unclear.

Color Diagnostics, LLC DBA Color Health
Classification: Uncertain significance for Hereditary cancer-predisposing syndrome. Last evaluated: 2019-05-23. Review status: criteria provided, single submitter. Criteria: ACMG Guidelines, 2015. Collection method: clinical testing. Allele origin: germline.

NM_000059.4(BRCA2):c.7208C>T (p.Thr2403Ile)

Gene: BRCA2 (BRCA2 DNA repair associated; plus strand). Cytogenetic location: 13q13.1.
Variant type: single nucleotide variant.
Coding change: c.7208C>T on transcript NM_000059.4 (MANE Select); coding-DNA position 7208, C replaced by T.
Protein change: p.Thr2403Ile; replaces threonine 2403 with isoleucine.
Molecular consequence: missense variant.
Genome position (GRCh38, 1-based): chr13:32,355,061, C>T. VCF-style: chr13-32355061-C-T. GRCh37 (hg19) VCF-style: chr13-32929198-C-T.
Other names: short protein forms T2403I.
Identifiers: ClinVar variation 236898 (VCV000236898.15), dbSNP rs878853600, ClinGen allele CA10583125.